The following is an entry in ClinVar:

ClinVar aggregate classification (germline): Conflicting classifications of pathogenicity. Review status: criteria provided, conflicting classifications (1 of 4 stars). 6 submissions from 6 submitters: Uncertain significance (3); Likely benign (3). Last evaluated 2025-12-18.

Conditions:
Hereditary nonpolyposis colorectal neoplasms. Identifiers: MedGen C0009405, MeSH D003123.
Hereditary cancer-predisposing syndrome. Also called: Hereditary Cancer Syndrome; Hereditary neoplastic syndrome; Neoplastic Syndromes, Hereditary; Tumor predisposition. Identifiers: Orphanet 140162, MedGen C0027672, MeSH D009386, MONDO:0015356.
Mismatch repair cancer syndrome 1 (MMRCS1). Also called: BTP1 SYNDROME; CHILDHOOD CANCER SYNDROME; MISMATCH REPAIR DEFICIENCY; MMR DEFICIENCY; BRAIN TUMOR-POLYPOSIS SYNDROME 1. Identifiers: Orphanet 252202, MedGen C5399763, MONDO:0010159, OMIM 276300. Disease mechanism: loss of function.

Allele frequency attached by ClinVar (database versions not stated): gnomAD exomes below 0.00001; TOPMed below 0.00001; gnomAD 0.00002.

Submissions (6):

Labcorp Genetics (formerly Invitae), Labcorp
Classification: Likely benign for Hereditary nonpolyposis colorectal neoplasms. Last evaluated: 2025-12-18. Review status: criteria provided, single submitter. Criteria: Invitae Variant Classification Sherloc (09022015). Collection method: clinical testing. Allele origin: germline.

Quest Diagnostics Nichols Institute San Juan Capistrano
Classification: Uncertain significance. Last evaluated: 2025-08-29. Review status: criteria provided, single submitter. Criteria: Quest Diagnostics criteria. Collection method: clinical testing. Allele origin: unknown.
Comment: The PMS2 c.537+6G>A variant has not been reported in individuals with PMS2-related conditions in the published literature. The frequency of this variant in the general population (Genome Aggregation Database) is uninformative in the assessment of its pathogenicity. Analysis of this variant using software algorithms for the prediction of the effect of nucleotide changes on PMS2 mRNA splicing yielded inconclusive findings. Based on the available information, we are unable to determine the clinical significance of this variant.

Department of Pathology and Laboratory Medicine, Sinai Health System
Classification: Uncertain significance for mismatch repair cancer syndrome 1. Last evaluated: 2024-08-15. Review status: criteria provided, single submitter. Criteria: ACMG Guidelines, 2015. Collection method: clinical testing. Allele origin: germline.

Sema4
Classification: Uncertain significance for Hereditary cancer-predisposing syndrome. Last evaluated: 2021-10-19. Review status: criteria provided, single submitter. Criteria: Sema4 Curation Guidelines. Collection method: curation. Allele origin: germline.
Comment: The PMS2 c.537+6G>A variant has not been reported in the literature to our knowledge. It was not observed in the large and broad cohorts of the Genome Aggregation Database (PMID: 32461654). The variant has been reported in ClinVar (Variation ID 455728). In silico tools suggest that the variant does not have an impact on splicing, though these predictions have not been confirmed by functional studies. The evidence is insufficient to meet ACMG/AMP criteria for classifying the variant as benign or pathogenic. Thus, the clinical significance of this variant is currently uncertain.

GeneDx
Classification: Likely benign. Last evaluated: 2019-03-14. Review status: criteria provided, single submitter. Criteria: GeneDx Variant Classification Process June 2021. Collection method: clinical testing. Allele origin: germline. Affected: yes.

Color Diagnostics, LLC DBA Color Health
Classification: Likely benign for Hereditary cancer-predisposing syndrome. Last evaluated: 2016-12-06. Review status: criteria provided, single submitter. Criteria: ACMG Guidelines, 2015. Collection method: clinical testing. Allele origin: germline.

NM_000535.7(PMS2):c.537+6G>A

Gene: PMS2 (PMS1 homolog 2, mismatch repair system component; minus strand). Cytogenetic location: 7p22.1.
Variant type: single nucleotide variant.
Coding change: c.537+6G>A on transcript NM_000535.7 (MANE Select); 6 bases into the intron after coding-DNA position 537, G replaced by A.
Molecular consequence: intron variant.
Genome position (GRCh38, 1-based): chr7:6,002,447, C>T on the plus strand (G>A on the coding strand, the complement: PMS2 is on the minus strand). VCF-style: chr7-6002447-C-T. GRCh37 (hg19) VCF-style: chr7-6042078-C-T.
Other names: c.219+6G>A (NM_001322008.2, NM_001322007.2); c.132+6G>A (NM_001322010.2, NM_001322004.2, NM_001322013.2 and 3 more transcripts); c.-348+6G>A (NM_001322012.2, NM_001322011.2); c.228+6G>A (NM_001322015.2); c.537+6G>A (NM_001322006.2, NM_001322014.2).
Identifiers: ClinVar variation 455728 (VCV000455728.19), dbSNP rs1358613918, ClinGen allele CA658657651.